The following is an entry in ClinVar:

NM_000059.4(BRCA2):c.2998A>C (p.Ile1000Leu)

Gene: BRCA2 (BRCA2 DNA repair associated; plus strand). Cytogenetic location: 13q13.1.
Variant type: single nucleotide variant.
Coding change: c.2998A>C on transcript NM_000059.4 (MANE Select); coding-DNA position 2998, A replaced by C.
Protein change: p.Ile1000Leu; replaces isoleucine 1000 with leucine.
Molecular consequence: missense variant.
Genome position (GRCh38, 1-based): chr13:32,337,353, A>C. VCF-style: chr13-32337353-A-C. GRCh37 (hg19) VCF-style: chr13-32911490-A-C.
Other names: short protein forms I1000L.
Identifiers: ClinVar variation 584853 (VCV000584853.22), dbSNP rs1555282999, ClinGen allele CA387774658.

ClinVar aggregate classification (germline): Conflicting classifications of pathogenicity. Review status: criteria provided, conflicting classifications (1 of 4 stars). 7 submissions from 7 submitters: Uncertain significance (4); Likely benign (3). Last evaluated 2026-01-16.

Conditions:
Hereditary breast ovarian cancer syndrome. Also called: Hereditary breast and ovarian cancer syndrome (HBOC); Breast and ovarian cancer; Hereditary breast and ovarian cancer syndrome; Hereditary breast and ovarian cancer; BRCA1- and BRCA2-Associated Hereditary Breast and Ovarian Cancer; Hereditary breast and/or ovarian cancer syndrome. Identifiers: Orphanet 145, MedGen C0677776, MeSH D061325, MONDO:0003582. Disease mechanism: loss of function.
Hereditary cancer-predisposing syndrome. Also called: Neoplastic Syndromes, Hereditary; Hereditary Cancer Syndrome; Tumor predisposition; Hereditary neoplastic syndrome. Identifiers: Orphanet 140162, MedGen C0027672, MeSH D009386, MONDO:0015356.
Breast-ovarian cancer, familial, susceptibility to, 2 (BROVCA2). Also called: BRCA2 Hereditary Breast and Ovarian Cancer. Identifiers: Orphanet 145, MedGen C2675520, MONDO:0012933, OMIM 612555. Disease mechanism: loss of function.

Submissions (7):

Labcorp Genetics (formerly Invitae), Labcorp
Classification: Uncertain significance for Hereditary breast ovarian cancer syndrome. Last evaluated: 2026-01-16. Review status: criteria provided, single submitter. Criteria: Invitae Variant Classification Sherloc (09022015). Collection method: clinical testing. Allele origin: germline.
Comment: This sequence change replaces isoleucine, which is neutral and non-polar, with leucine, which is neutral and non-polar, at codon 1000 of the BRCA2 protein (p.Ile1000Leu). This variant is not present in population databases (gnomAD no frequency). This missense change has been observed in individual(s) with breast or ovarian cancer (PMID: 33067490, 35264596). ClinVar contains an entry for this variant (Variation ID: 584853). Invitae Evidence Modeling of protein sequence and biophysical properties (such as structural, functional, and spatial information, amino acid conservation, physicochemical variation, residue mobility, and thermodynamic stability) indicates that this missense variant is not expected to disrupt BRCA2 protein function with a negative predictive value of 95%. In summary, the available evidence is currently insufficient to determine the role of this variant in disease. Therefore, it has been classified as a Variant of Uncertain Significance.

Molecular Diagnostics Laboratory, Catalan Institute of Oncology
Classification: Likely benign for Hereditary cancer-predisposing syndrome. Last evaluated: 2025-07-07. Review status: criteria provided, single submitter. Criteria: ClinGen BRCA1BRCA2 ACMG Specifications BRCA2 V1.0.0. Collection method: clinical testing. Allele origin: germline.
Comment: PM2_Supporting, BP1_Strong c.2998A>C, located in exon 11 of the BRCA2 gene, is predicted to result in the substitution of isoleucine with leucine at codon 1000, p.(Ile1000Leu). This position is outside a (potentially) clinically important functional domain and the SpliceAI algorithm predicts no significant impact on splicing (BP1_strong). It is not present in the population database gnomAD v2.1.1, non cancer dataset (PM2_Supporting). To our knowledge, neither relevant clinical data nor well-established functional studies have been reported for this variant. It has been reported in the ClinVar database (2x likely benign, 3x uncertain significance) and BRCA Exchange database (not yet reviewed) but it is not present in the LOVD database. Based on the currently available information, c.2998A>C is classified as a likely benign variant according to ClinGen-BRCA2 Guidelines v.1.0.0.

Color Diagnostics, LLC DBA Color Health
Classification: Uncertain significance for Hereditary cancer-predisposing syndrome. Last evaluated: 2024-11-25. Review status: criteria provided, single submitter. Criteria: ACMG Guidelines, 2015. Collection method: clinical testing. Allele origin: germline.
Comment: This missense variant replaces isoleucine with leucine at codon 1000 of the BRCA2 protein. Computational prediction suggests that this variant may not impact protein structure and function. To our knowledge, functional studies have not been reported for this variant. This variant has been reported in at least two individuals affected with breast or ovarian cancer (PMID: 33067490, 35264596). This variant has not been identified in the general population by the Genome Aggregation Database (gnomAD). The available evidence is insufficient to determine the role of this variant in disease conclusively. Therefore, this variant is classified as a Variant of Uncertain Significance.

Ambry Genetics
Classification: Likely benign for Hereditary cancer-predisposing syndrome. Last evaluated: 2024-01-02. Review status: criteria provided, single submitter. Criteria: Ambry Variant Classification Scheme 2023. Collection method: clinical testing. Allele origin: germline.

University of Washington Department of Laboratory Medicine, University of Washington
Classification: Likely benign for Hereditary cancer-predisposing syndrome. Last evaluated: 2023-03-23. Review status: criteria provided, single submitter. Criteria: Dines et al. (Genet Med. 2020). Collection method: curation. Allele origin: germline.
Comment: Missense variant in a coldspot region where missense variants are very unlikely to be pathogenic (PMID:31911673).

BRCA2 exon 11 coldspot. Reclassification based on statistical prior probability.

Women's Health and Genetics/Laboratory Corporation of America, LabCorp
Classification: Uncertain significance. Last evaluated: 2022-10-11. Review status: criteria provided, single submitter. Criteria: LabCorp Variant Classification Summary - May 2015. Collection method: clinical testing. Allele origin: germline.
Comment: Variant summary: BRCA2 c.2998A>C (p.Ile1000Leu) results in a conservative amino acid change in the encoded protein sequence. Five of five in-silico tools predict a benign effect of the variant on protein function. The variant was absent in 250640 control chromosomes. The available data on variant occurrences in the general population are insufficient to allow any conclusion about variant significance. c.2998A>C has been reported in the literature as a VUS in settings of BRCA1/2 sequencing in at-least one individual affected with Breast and/or Ovarian Cancer (example, Abu-Helalah_2020). These report(s) do not provide unequivocal conclusions about association of the variant with Hereditary Breast And Ovarian Cancer Syndrome. To our knowledge, no experimental evidence demonstrating an impact on protein function has been reported. Three clinical diagnostic laboratories have submitted clinical-significance assessments for this variant to ClinVar after 2014 without evidence for independent evaluation. All laboratories classified the variant as uncertain significance. Based on the evidence outlined above, the variant was classified as uncertain significance.

Mendelics
Classification: Uncertain significance for Breast-ovarian cancer, familial, susceptibility to, 2. Last evaluated: 2019-05-28. Review status: criteria provided, single submitter. Criteria: Mendelics Assertion Criteria 2017. Collection method: clinical testing. Allele origin: unknown.

Literature cited by the submitters: PubMed 33067490 (cited by 4 submitters); PubMed 35264596 (cited by 3 submitters); PubMed 36413997 (cited by Ambry Genetics).